The following is an entry in ClinVar:

NM_001330078.2(NRXN1):c.833-2A>C

Gene: NRXN1 (neurexin 1; minus strand). Cytogenetic location: 2p16.3.
Variant type: single nucleotide variant.
Coding change: c.833-2A>C on transcript NM_001330078.2 (MANE Select); the canonical splice acceptor site of the intron before coding-DNA position 833, A replaced by C.
Molecular consequence: splice acceptor variant.
Genome position (GRCh38, 1-based): chr2:50,623,617, T>G on the plus strand (A>C on the coding strand, the complement: NRXN1 is on the minus strand). VCF-style: chr2-50623617-T-G. GRCh37 (hg19) VCF-style: chr2-50850755-T-G.
Other names: c.773-2A>C (NM_001330096.2, NM_001330087.2, NM_001330083.2 and 1 more transcripts); c.803-2A>C (NM_001330088.2); c.830-2A>C (NM_001330093.2); c.821-2A>C (NM_001330094.2); c.833-2A>C (NM_001330095.2, NM_001330082.2, NM_001330077.2 and 3 more transcripts); c.932-2A>C (NM_001135659.3).
Identifiers: ClinVar variation 2841428 (VCV002841428.3), dbSNP rs2466873048, ClinGen allele CA346822742.
Genomic context (GRCh38, chr2:50,623,617, plus strand): 5'-AGACAAGTCGTAGCAGAAGTATTCAGATCCTTTGAACGTGGCAATATATTCTTCTTTTCC[T>G]AGAGGAAAACAGATGATACATACATAAGTAAACAAATACACTATGCAAATCAGCAGGTCT-3'

ClinVar aggregate classification (germline): Likely pathogenic (1 of 4 stars; one submission).

Conditions:
Pitt-Hopkins-like syndrome 2 (PTHSL2). Identifiers: Orphanet 221150, Orphanet 600663, MedGen C3280479, MONDO:0013690, OMIM 614325.

Submission:

Labcorp Genetics (formerly Invitae), Labcorp
Classification: Likely pathogenic for Pitt-Hopkins-like syndrome 2. Last evaluated: 2023-02-27. Review status: criteria provided, single submitter. Criteria: Invitae Variant Classification Sherloc (09022015). Collection method: clinical testing. Allele origin: germline.
Comment: Algorithms developed to predict the effect of sequence changes on RNA splicing suggest that this variant may disrupt the consensus splice site. This variant has not been reported in the literature in individuals affected with NRXN1-related conditions. This variant is not present in population databases (gnomAD no frequency). This sequence change affects an acceptor splice site in intron 6 of the NRXN1 gene. It is expected to disrupt RNA splicing. Variants that disrupt the donor or acceptor splice site typically lead to a loss of protein function (PMID: 16199547), and loss-of-function variants in NRXN1 are known to be pathogenic (PMID: 19896112, 21964664, 23495017, 23533028, 25149956, 30031152). In summary, the currently available evidence indicates that the variant is pathogenic, but additional data are needed to prove that conclusively. Therefore, this variant has been classified as Likely Pathogenic.

Literature cited by the submitters: PubMed 16199547; PubMed 19896112; PubMed 21964664; PubMed 23495017; PubMed 23533028; PubMed 25149956; PubMed 30031152.